The following is an entry in ClinVar:

ClinVar aggregate classification (germline): Uncertain significance (1 of 4 stars; one submission).

Allele frequency attached by ClinVar (database versions not stated): gnomAD exomes 0.00003; ExAC 0.00005; gnomAD 0.00006; TOPMed 0.00007.
gnomAD v4.1: 55 of 1,614,066 alleles (0.0034%); highest among the groups gnomAD compares: Middle Eastern, 0.016%; no homozygotes.

Submission:

Labcorp Genetics (formerly Invitae), Labcorp
Classification: Uncertain significance. Last evaluated: 2025-11-17. Review status: criteria provided, single submitter. Criteria: Invitae Variant Classification Sherloc (09022015). Collection method: clinical testing. Allele origin: germline.
Comment: This sequence change replaces alanine, which is neutral and non-polar, with valine, which is neutral and non-polar, at codon 274 of the IGSF10 protein (p.Ala274Val). This variant is present in population databases (rs776231543, gnomAD 0.01%). This variant has not been reported in the literature in individuals affected with IGSF10-related conditions. ClinVar contains an entry for this variant (Variation ID: 2071110). An algorithm developed to predict the effect of missense changes on protein structure and function (PolyPhen-2) suggests that this variant is likely to be disruptive. In summary, the available evidence is currently insufficient to determine the role of this variant in disease. Therefore, it has been classified as a Variant of Uncertain Significance.

NM_178822.5(IGSF10):c.821C>T (p.Ala274Val)

Gene: IGSF10 (immunoglobulin superfamily member 10; minus strand). Cytogenetic location: 3q25.1.
Variant type: single nucleotide variant.
Coding change: c.821C>T on transcript NM_178822.5 (MANE Select); coding-DNA position 821, C replaced by T.
Protein change: p.Ala274Val; replaces alanine 274 with valine.
Molecular consequence: missense variant.
Genome position (GRCh38, 1-based): chr3:151,449,160, G>A on the plus strand (C>T on the coding strand, the complement: IGSF10 is on the minus strand). VCF-style: chr3-151449160-G-A. GRCh37 (hg19) VCF-style: chr3-151166948-G-A.
Other names: c.821C>T, p.Ala274Val (NM_001385060.1, NM_001385061.1, NM_001385062.1 and 1 more transcripts); short protein forms A274V.
Identifiers: ClinVar variation 2071110 (VCV002071110.4), dbSNP rs776231543, ClinGen allele CA2670661.